The following is an entry in ClinVar:

NC_000016.10:g.(?_78099759)_(78115174_?)del

Gene: WWOX (WW domain containing oxidoreductase; plus strand). Cytogenetic location: 16q23.1.
Variant type: Deletion.
Identifiers: ClinVar variation 830545 (VCV000830545.1).

ClinVar aggregate classification (germline): Pathogenic (1 of 4 stars; one submission).

Conditions:
Autosomal recessive spinocerebellar ataxia 12. Also called: SPINOCEREBELLAR ATAXIA WITH MENTAL RETARDATION AND EPILEPSY. Identifiers: Orphanet 284282, MedGen C3280452, MONDO:0013687, OMIM 614322.
Developmental and epileptic encephalopathy, 1 (DEE1). Also called: INFANTILE SPASM SYNDROME, X-LINKED 1; X-linked infantile spasms; West's syndrome; Tonic spasms with clustering, arrest of psychomotor development and hypsarrhythmia on EEG; X-Linked Infantile Spasm Syndrome; OHTAHARA SYNDROME, X-LINKED. Identifiers: MedGen C3463992, MONDO:0010632, OMIM 308350. Disease mechanism: loss of function.

Submission:

Labcorp Genetics (formerly Invitae), Labcorp
Classification: Pathogenic for Epileptic encephalopathy, early infantile, 1; Spinocerebellar ataxia, autosomal recessive 12. Last evaluated: 2019-12-21. Review status: criteria provided, single submitter. Criteria: Invitae Variant Classification Sherloc (09022015). Collection method: clinical testing. Allele origin: germline.
Comment: This variant is a gross deletion of the genomic region encompassing exons 1-4 of the WWOX gene, which includes the initiator codon. The 5' end of this event is unknown as it extends beyond the assayed region for this gene and therefore may encompass additional genes. The 3' boundary is likely confined to intron 5 of the WWOX gene. This is expected to result in an absent or disrupted protein product. This variant has not been reported in the literature in individuals with WWOX-related conditions. Loss-of-function variants in WWOX are known to be pathogenic (PMID: 24456803, 25411445). For these reasons, this variant has been classified as Pathogenic.